The following is an entry in ClinVar:

ClinVar aggregate classification (germline): Uncertain significance (1 of 4 stars; one submission).

gnomAD v4.1: 1 of 1,613,508 alleles (0.000062%); highest among the groups gnomAD compares: Non-Finnish European, 0.000085%; no homozygotes.

Submission:

GeneDx
Classification: Uncertain significance. Last evaluated: 2025-07-03. Review status: criteria provided, single submitter. Criteria: GeneDx Variant Classification Process June 2021. Collection method: clinical testing. Allele origin: germline. Affected: yes.
Comment: Not observed at significant frequency in large population cohorts (gnomAD); In silico analysis suggests that this missense variant does not alter protein structure/function; Has not been previously published as pathogenic or benign to our knowledge

NM_031844.3(HNRNPU):c.1571A>G (p.Lys524Arg)

Gene: HNRNPU (heterogeneous nuclear ribonucleoprotein U; minus strand). Cytogenetic location: 1q44.
Variant type: single nucleotide variant.
Coding change: c.1571A>G on transcript NM_031844.3 (MANE Select); coding-DNA position 1571, A replaced by G.
Protein change: p.Lys524Arg; replaces lysine 524 with arginine.
Molecular consequence: missense variant.
Genome position (GRCh38, 1-based): chr1:244,857,641, T>C on the plus strand (A>G on the coding strand, the complement: HNRNPU is on the minus strand). VCF-style: chr1-244857641-T-C. GRCh37 (hg19) VCF-style: chr1-245020943-T-C.
Other names: c.1514A>G, p.Lys505Arg (NM_004501.3); short protein forms K505R, K524R.
Identifiers: ClinVar variation 4681062 (VCV004681062.1).